The following is an entry in ClinVar:

ClinVar aggregate classification (germline): Uncertain significance (1 of 4 stars; one submission).

Submission:

GeneDx
Classification: Uncertain significance. Last evaluated: 2024-04-15. Review status: criteria provided, single submitter. Criteria: GeneDx Variant Classification Process June 2021. Collection method: clinical testing. Allele origin: germline. Affected: yes.
Comment: Not observed at significant frequency in large population cohorts (gnomAD); Canonical splice site variant in a gene for which loss-of-function is not an established mechanism of disease; Has not been previously published as pathogenic or benign to our knowledge

NM_002107.7(H3-3A):c.282+1G>A

Gene: H3-3A (H3.3 histone A; plus strand). Cytogenetic location: 1q42.12.
Variant type: single nucleotide variant.
Coding change: c.282+1G>A on transcript NM_002107.7 (MANE Select); the canonical splice donor site of the intron after coding-DNA position 282, G replaced by A.
Molecular consequence: splice donor variant.
Genome position (GRCh38, 1-based): chr1:226,065,810, G>A. VCF-style: chr1-226065810-G-A. GRCh37 (hg19) VCF-style: chr1-226253511-G-A.
Other names: c.282+1G>A (NM_001379043.1, NM_001379046.1, NM_001379045.1 and 1 more transcripts).
Identifiers: ClinVar variation 3371951 (VCV003371951.1).